The following is an entry in ClinVar:

ClinVar aggregate classification (germline): Uncertain significance. Review status: criteria provided, multiple submitters, no conflicts (2 of 4 stars). 3 submissions from 3 submitters: Uncertain significance (3). Last evaluated 2025-06-16.

Conditions:
Hereditary cancer-predisposing syndrome. Also called: Neoplastic Syndromes, Hereditary; Tumor predisposition; Hereditary neoplastic syndrome; Hereditary Cancer Syndrome. Identifiers: Orphanet 140162, MedGen C0027672, MeSH D009386, MONDO:0015356.

Submissions (3):

Dasa
Classification: Uncertain significance. Last evaluated: 2025-06-16. Review status: criteria provided, single submitter. Criteria: DASA Assertion Criteria. Collection method: clinical testing. Allele origin: germline.
Comment: NM_001350651.2(MUTYH):c.-92-2A>G is an intronic variant. This variant is absent from population databases. Computational prediction algorithms are consistent with a deleterious effect. The currently available literature and clinical evidence are not sufficient to establish a definitive association between this variant and the reported condition. Therefore, this variant is classified as a variant of uncertain significance.

Color Diagnostics, LLC DBA Color Health
Classification: Uncertain significance for Hereditary cancer-predisposing syndrome. Last evaluated: 2024-03-06. Review status: criteria provided, single submitter. Criteria: ACMG Guidelines, 2015. Collection method: clinical testing. Allele origin: germline.
Comment: This missense variant replaces arginine with glycine at codon 88 of the MUTYH protein. Computational prediction suggests that this variant may not impact protein structure and function (internally defined REVEL score threshold <= 0.5, PMID: 27666373). To our knowledge, functional studies have not been reported for this variant. This variant has not been reported in individuals affected with hereditary cancer in the literature. This variant has not been identified in the general population by the Genome Aggregation Database (gnomAD). The available evidence is insufficient to determine the role of this variant in disease conclusively. Therefore, this variant is classified as a Variant of Uncertain Significance.

Ambry Genetics
Classification: Uncertain significance for Hereditary cancer-predisposing syndrome. Last evaluated: 2023-08-24. Review status: criteria provided, single submitter. Criteria: Ambry Variant Classification Scheme 2023. Collection method: clinical testing. Allele origin: germline.
Comment: The p.R88G variant (also known as c.262A>G), located in coding exon 3 of the MUTYH gene, results from an A to G substitution at nucleotide position 262. The arginine at codon 88 is replaced by glycine, an amino acid with dissimilar properties. This amino acid position is not well conserved in available vertebrate species. In addition, this alteration is predicted to be tolerated by in silico analysis. Since supporting evidence is limited at this time, the clinical significance of this alteration remains unclear.

NM_001048174.2(MUTYH):c.178A>G (p.Arg60Gly)

Gene: MUTYH (mutY DNA glycosylase; minus strand). Cytogenetic location: 1p34.1.
Variant type: single nucleotide variant.
Coding change: c.178A>G on transcript NM_001048174.2 (MANE Select); coding-DNA position 178, A replaced by G.
Protein change: p.Arg60Gly; replaces arginine 60 with glycine.
Molecular consequence: missense variant. On other transcripts: 5 prime UTR variant (1), non-coding transcript variant (5), splice acceptor variant (5).
Genome position (GRCh38, 1-based): chr1:45,333,499, T>C on the plus strand (A>G on the coding strand, the complement: MUTYH is on the minus strand). VCF-style: chr1-45333499-T-C. GRCh37 (hg19) VCF-style: chr1-45799171-T-C.
Other names: c.178A>G, p.Arg60Gly (NM_001048171.2, NM_001048173.2, NM_001293195.2 and 6 more transcripts); c.181A>G, p.Arg61Gly (NM_001048172.2, NM_001407071.1, NM_001407078.1 and 2 more transcripts); c.262A>G, p.Arg88Gly (NM_001128425.2); c.223A>G, p.Arg75Gly (NM_001293190.2); c.211A>G, p.Arg71Gly (NM_001293191.2, NM_001407077.1); c.-94A>G (NM_001350650.2); c.253A>G, p.Arg85Gly (NM_001407069.1, NM_012222.3); c.220A>G, p.Arg74Gly (NM_001407073.1, NM_001407083.1, NM_001407085.1); and 4 more; short protein forms R61G, R67G, R75G, R32G, R71G, R85G, R60G, R74G.
Identifiers: ClinVar variation 2612140 (VCV002612140.6), dbSNP rs2149174406, ClinGen allele CA340136501.